The following is an entry in ClinVar:

ClinVar aggregate classification (germline): Uncertain significance. Review status: criteria provided, multiple submitters, no conflicts (2 of 4 stars). 4 submissions from 4 submitters: Uncertain significance (4). Last evaluated 2026-05-18.

Conditions:
Hereditary cancer-predisposing syndrome. Also called: Neoplastic Syndromes, Hereditary; Hereditary neoplastic syndrome; Hereditary Cancer Syndrome; Tumor predisposition. Identifiers: Orphanet 140162, MedGen C0027672, MeSH D009386, MONDO:0015356.
CHEK2-related cancer predisposition (TPDS4). Also called: TUMOR PREDISPOSITION SYNDROME 4; CANCER PREDISPOSITION SYNDROME, CHEK2-RELATED; CHEK2-related cancer susceptibility. Identifiers: Orphanet 524, MedGen C5882668, MONDO:0700271, OMIM 609265.

Allele frequency attached by ClinVar (database versions not stated): TOPMed 0.00002; gnomAD 0.00001 and 0.00002; gnomAD exomes below 0.00001.

Submissions (4):

Women's Health and Genetics/Laboratory Corporation of America, LabCorp
Classification: Uncertain significance. Last evaluated: 2026-05-18. Review status: criteria provided, single submitter. Criteria: LabCorp Variant Classification Summary - May 2015. Collection method: clinical testing. Allele origin: germline.
Comment: Variant summary: CHEK2 c.-3G>A is located in the untranslated mRNA region upstream of the initiation codon. The variant allele was found at a frequency of 4.1e-06 in 244348 control chromosomes. The available data on variant occurrences in the general population are insufficient to allow any conclusion about variant significance. c.-3G>A has been observed in individual(s) affected with prostate cancer and breast cancer, and in at least one case was present along with a pathogenic variant which would explain the disease (So_2022, Tung_2015). These report(s) do not provide unequivocal conclusions about association of the variant with disease. To our knowledge, no experimental evidence demonstrating an impact on protein function has been reported. The following publications have been ascertained in the context of this evaluation (PMID: 35534218, 25186627). ClinVar contains an entry for this variant (Variation ID: 479563). Based on the evidence outlined above, the variant was classified as uncertain significance.

Color Diagnostics, LLC DBA Color Health
Classification: Uncertain significance for Hereditary cancer-predisposing syndrome. Last evaluated: 2025-03-24. Review status: criteria provided, single submitter. Criteria: ACMG Guidelines, 2015. Collection method: clinical testing. Allele origin: germline.
Comment: This variant is located in the 5' untranslated region of the CHEK2 gene. To our knowledge, gene expression studies have not been reported for this variant. This variant has not been reported in individuals affected with CHEK2-related disorders in the literature. This variant has been identified in 1/244348 chromosomes in the general population by the Genome Aggregation Database (gnomAD). The available evidence is insufficient to determine the role of this variant in disease conclusively. Therefore, this variant is classified as a Variant of Uncertain Significance.

Ambry Genetics
Classification: Uncertain significance for Hereditary cancer-predisposing syndrome. Last evaluated: 2024-08-21. Review status: criteria provided, single submitter. Criteria: Ambry Variant Classification Scheme 2023. Collection method: clinical testing. Allele origin: germline.
Comment: The c.-3G>A variant is located in the 5' untranslated region (5&rsquo; UTR) of the CHEK2 gene. This variant results from a G to A substitution 3 bases upstream from the first translated codon. This alteration was identified in an individual diagnosed with prostate cancer (So MK et al. Investig Clin Urol, 2022 May;63:294-300). This nucleotide position is not well conserved in available vertebrate species. Based on the available evidence, the clinical significance of this variant remains unclear.

Department of Pathology and Laboratory Medicine, Sinai Health System
Classification: Uncertain significance for CHEK2-related cancer predisposition. Last evaluated: 2021-12-14. Review status: criteria provided, single submitter. Criteria: ACMG Guidelines, 2015. Collection method: clinical testing. Allele origin: germline. Affected: yes.

Literature cited by the submitters: PubMed 25186627 (cited by Women's Health and Genetics/Laboratory Corporation of America, LabCorp); PubMed 35534218 (cited by Women's Health and Genetics/Laboratory Corporation of America, LabCorp and Ambry Genetics).

NM_007194.4(CHEK2):c.-3G>A

Gene: CHEK2 (checkpoint kinase 2; minus strand). Cytogenetic location: 22q12.1.
Variant type: single nucleotide variant.
Coding change: c.-3G>A on transcript NM_007194.4 (MANE Select); 3 bases upstream of the start codon, G replaced by A.
Molecular consequence: 5 prime UTR variant.
Genome position (GRCh38, 1-based): chr22:28,734,724, C>T on the plus strand (G>A on the coding strand, the complement: CHEK2 is on the minus strand). VCF-style: chr22-28734724-C-T. GRCh37 (hg19) VCF-style: chr22-29130712-C-T.
Other names: c.-3G>A (NM_001005735.3, NM_001349956.3, NM_145862.3); c.-780G>A (NM_001257387.3).
Identifiers: ClinVar variation 479563 (VCV000479563.8), dbSNP rs876659027, ClinGen allele CA411092209.